The following is an entry in ClinVar:

NM_002843.4(PTPRJ):c.827A>C (p.Gln276Pro)

Gene: PTPRJ (protein tyrosine phosphatase receptor type J; plus strand). Cytogenetic location: 11p11.2.
Variant type: single nucleotide variant.
Coding change: c.827A>C on transcript NM_002843.4 (MANE Select); coding-DNA position 827, A replaced by C.
Protein change: p.Gln276Pro; replaces glutamine 276 with proline.
Molecular consequence: missense variant.
Genome position (GRCh38, 1-based): chr11:48,123,823, A>C. VCF-style: chr11-48123823-A-C. GRCh37 (hg19) VCF-style: chr11-48145375-A-C.
Other names: c.827A>C (NM_002843.3); c.827A>C, p.Gln276Pro (NM_001098503.2); short protein forms Q276P.
Identifiers: ClinVar variation 8690 (VCV000008690.8), dbSNP rs1566734, ClinGen allele CA250563.

ClinVar aggregate classification (germline): Benign. Review status: criteria provided, multiple submitters, no conflicts (2 of 4 stars). 7 submissions from 7 submitters: Benign (3). 4 of the submissions do not count toward it. Last evaluated 2022-05-04.

Conditions:
PTPRJ-related disorder. Also called: PTPRJ-related condition.
Colorectal cancer. Also called: Colorectal cancer, somatic; Malignant Colorectal Neoplasm. Identifiers: MedGen C0346629, MONDO:0005575, OMIM 114500.
Carcinoma of colon (CRC). Also called: Colon carcinoma; Colonic carcinoma. Identifiers: MedGen C0699790, MONDO:0002032.

Allele frequency attached by ClinVar (database versions not stated): gnomAD exomes 0.16865 and 0.16436; ExAC 0.16935; TOPMed 0.15226; 1000 Genomes Project 0.18990; gnomAD 0.14574 and 0.15145; 1000 Genomes Project 30x 0.18207.
gnomAD v4.1: 264,396 of 1,613,772 alleles (16%); highest among the groups gnomAD compares: Middle Eastern, 27%; 23,146 homozygotes.

Submissions (7):

Mendelics
Classification: Benign. Last evaluated: 2022-05-04. Review status: criteria provided, single submitter. Criteria: Mendelics Assertion Criteria 2019. Collection method: clinical testing. Allele origin: germline.

Fulgent Genetics
Classification: Benign for Colorectal cancer. Last evaluated: 2021-12-10. Review status: criteria provided, single submitter. Criteria: ACMG Guidelines, 2015. Collection method: clinical testing. Allele origin: unknown.

H3Africa Consortium
Classification: Benign. Last evaluated: 2020-10-28. Review status: criteria provided, single submitter. Criteria: Choudhury A et al. (Nature 2020). Collection method: research. Allele origin: germline. Study: H3Africa.
Comment: While the frequency of the alternate allele in gnoMAD v2.0.2 is 0.063, its frequency in African populations is >5%. This suggests that previous classifications of this variant as pathogenic are in error.

PreventionGenetics, part of Exact Sciences
Classification: Likely benign for PTPRJ-related condition. Last evaluated: 2019-10-23. Review status: no assertion criteria provided. Collection method: clinical testing. Allele origin: germline. Not counted in ClinVar's aggregate classification.
Comment: This variant is classified as likely benign based on ACMG/AMP sequence variant interpretation guidelines (Richards et al. 2015 PMID: 25741868, with internal and published modifications).

Genomic Medicine Center of Excellence, King Faisal Specialist Hospital and Research Centre
Classification: Pathogenic for Colorectal cancer. Last evaluated: 2025-07-30. Review status: flagged submission. Criteria: ACMG Guidelines, 2015. Collection method: clinical testing. Allele origin: germline. Not counted in ClinVar's aggregate classification.
ClinVar note: Notes: Variant has an overall frequency of 0.1638 with over 23,000 homozygotes in gnomAD.
ClinVar note: Reason: Outlier claim with insufficient supporting evidence

OMIM
Classification: Pathogenic for COLON CANCER, SOMATIC. Last evaluated: 2002-07-01. Review status: flagged submission. Collection method: literature only. Allele origin: somatic. Not counted in ClinVar's aggregate classification.
ClinVar note: Notes: Variant has an overall frequency of 0.1638 with over 23,000 homozygotes in gnomAD.
ClinVar note: Reason: Older and outlier claim with insufficient supporting evidence

Breakthrough Genomics
Classification: Benign. Review status: flagged submission. Criteria: ACMG Guidelines, 2015. Collection method: not provided. Allele origin: germline. Inheritance: Autosomal dominant inheritance. Affected: yes. Not counted in ClinVar's aggregate classification.
ClinVar note: Notes: Variant has an overall frequency of 0.1638 with over 23,000 homozygotes in gnomAD.
ClinVar note: Reason: Outlier claim with insufficient supporting evidence

Literature cited by the submitters: PubMed 12089527 (cited by OMIM).